The following is an entry in ClinVar:

NM_016239.4(MYO15A):c.10508G>A (p.Arg3503His)

Gene: MYO15A (myosin XVA; plus strand). Cytogenetic location: 17p11.2.
Variant type: single nucleotide variant.
Coding change: c.10508G>A on transcript NM_016239.4 (MANE Select); coding-DNA position 10508, G replaced by A.
Protein change: p.Arg3503His; replaces arginine 3503 with histidine.
Molecular consequence: missense variant.
Genome position (GRCh38, 1-based): chr17:18,178,785, G>A. VCF-style: chr17-18178785-G-A. GRCh37 (hg19) VCF-style: chr17-18082099-G-A.
Other names: short protein forms R3503H.
Identifiers: ClinVar variation 2473459 (VCV002473459.6), dbSNP rs756798489, ClinGen allele CA8425982.

ClinVar aggregate classification (germline): Uncertain significance. Review status: criteria provided, multiple submitters, no conflicts (2 of 4 stars). 3 submissions from 3 submitters: Uncertain significance (3). Last evaluated 2025-10-29.

Conditions:
Inborn genetic diseases. Identifiers: MedGen C0950123, MeSH D030342.
Autosomal recessive nonsyndromic hearing loss 3. Also called: NEUROSENSORY NONSYNDROMIC RECESSIVE DEAFNESS 3. Identifiers: Orphanet 90636, MedGen C1838263, MONDO:0010860, OMIM 600316.

Allele frequency attached by ClinVar (database versions not stated): gnomAD 0.00001; gnomAD exomes 0.00008; ExAC 0.00014.
gnomAD v4.1: 125 of 1,613,924 alleles (0.0077%); highest among the groups gnomAD compares: South Asian, 0.1%; 3 homozygotes.

Submissions (3):

Ambry Genetics
Classification: Uncertain significance for Inborn genetic diseases. Last evaluated: 2025-10-29. Review status: criteria provided, single submitter. Criteria: Ambry Variant Classification Scheme 2023. Collection method: clinical testing. Allele origin: germline.

Revvity Omics, Revvity
Classification: Uncertain significance for Autosomal recessive nonsyndromic hearing loss 3. Last evaluated: 2023-11-06. Review status: criteria provided, single submitter. Criteria: ACMG Guidelines, 2015. Collection method: clinical testing. Allele origin: germline.

GeneDx
Classification: Uncertain significance. Last evaluated: 2023-07-13. Review status: criteria provided, single submitter. Criteria: GeneDx Variant Classification Process June 2021. Collection method: clinical testing. Allele origin: germline. Affected: yes.
Comment: In silico analysis supports that this missense variant has a deleterious effect on protein structure/function; Has not been previously published as pathogenic or benign to our knowledge